The following is an entry in ClinVar:

ClinVar aggregate classification (germline): Conflicting classifications of pathogenicity. Review status: criteria provided, conflicting classifications (1 of 4 stars). 3 submissions from 3 submitters: Uncertain significance (1); Likely benign (2). Last evaluated 2025-02-01.

Conditions:
Familial temporal lobe epilepsy 7. Identifiers: Orphanet 101046, MedGen C4225327, MONDO:0014639, OMIM 616436.
Norman-Roberts syndrome (LIS2). Also called: Lissencephaly 2 (Norman-Roberts type). Identifiers: Orphanet 89844, MedGen C0796089, MONDO:0009760, OMIM 257320.

Allele frequency attached by ClinVar (database versions not stated): TOPMed 0.00002.
gnomAD v4.1: 13 of 1,613,932 alleles (0.00081%); highest among the groups gnomAD compares: Non-Finnish European, 0.0011%; no homozygotes.

Submissions (3):

CeGaT Center for Human Genetics Tuebingen
Classification: Likely benign. Last evaluated: 2025-02-01. Review status: criteria provided, single submitter. Criteria: CeGaT Center For Human Genetics Tuebingen Variant Classification Criteria Version 2. Collection method: clinical testing. Allele origin: germline. Affected: yes. Observed: 1 variant allele.
Comment: RELN: BP4, BP7

Labcorp Genetics (formerly Invitae), Labcorp
Classification: Likely benign for Familial temporal lobe epilepsy 7; Norman-Roberts syndrome. Last evaluated: 2024-04-05. Review status: criteria provided, single submitter. Criteria: Invitae Variant Classification Sherloc (09022015). Collection method: clinical testing. Allele origin: germline.

Eurofins Ntd Llc (ga)
Classification: Uncertain significance. Last evaluated: 2016-02-25. Review status: criteria provided, single submitter. Criteria: EGL Classification Definitions 2015. Collection method: clinical testing. Allele origin: germline. Observed: 1 variant allele, 1 heterozygote.

NM_005045.4(RELN):c.9837C>G (p.Thr3279=)

Genes: RELN (reelin; minus strand), SLC26A5-AS1 (SLC26A5 antisense RNA 1; plus strand). Cytogenetic location: 7q22.1.
Variant type: single nucleotide variant.
Coding change: c.9837C>G on transcript NM_005045.4 (MANE Select); coding-DNA position 9837, C replaced by G.
Protein change: p.Thr3279=; no amino-acid change (threonine 3279 retained).
Molecular consequence: synonymous variant.
Genome position (GRCh38, 1-based): chr7:103,486,343, G>C on the plus strand (C>G on the coding strand, the complement: RELN is on the minus strand). VCF-style: chr7-103486343-G-C. GRCh37 (hg19) VCF-style: chr7-103126790-G-C.
Other names: c.9837C>G, p.Thr3279= (NM_173054.3).
Identifiers: ClinVar variation 286276 (VCV000286276.25), dbSNP rs202224350, ClinGen allele CA4420111.
Genomic context (GRCh38, chr7:103,486,343, plus strand): 5'-GGCCAGCTGCCCACAGCCACTTCCTATGACTCCACCTTGAATGGTCTCCCAGTTTGCCTC[G>C]GTGACTCTTGCGGACTCAAAATTATCTTTAATATAACTGGGAAGGTCGTGACTGAAAACA-3'
Protein context (NP_005036.2, residues 3269-3289): IKDNFESARV[Thr3279=]EANWETIQGG